The following is an entry in ClinVar:

ClinVar aggregate classification (germline): Uncertain significance. Review status: criteria provided, multiple submitters, no conflicts (2 of 4 stars). 4 submissions from 4 submitters: Uncertain significance (4). Last evaluated 2025-11-04.

Conditions:
Long QT syndrome (LQTS). Identifiers: MedGen C0023976, MeSH D008133, MONDO:0002442. Disease mechanism: loss of function. Inheritance: Various modes of inheritance.
Cardiovascular phenotype. Identifiers: MedGen CN230736.

Allele frequency attached by ClinVar (database versions not stated): TOPMed 0.00001; gnomAD 0.00002; gnomAD exomes 0.00002.
gnomAD v4.1: 27 of 1,463,784 alleles (0.0018%); highest among the groups gnomAD compares: East Asian, 0.003%; no homozygotes.

Submissions (4):

Ambry Genetics
Classification: Uncertain significance for Cardiovascular phenotype. Last evaluated: 2025-11-04. Review status: criteria provided, single submitter. Criteria: Ambry Variant Classification Scheme 2023. Collection method: clinical testing. Allele origin: germline.
Comment: The p.V194M variant (also known as c.580G>A), located in coding exon 4 of the KCNH2 gene, results from a G to A substitution at nucleotide position 580. The valine at codon 194 is replaced by methionine, an amino acid with highly similar properties, and is located in the N-terminal domain. This alteration has been reported in a cardiac genetic testing cohort in an individual with another cardiac-related alteration identified (Arbustini E et al. J Am Coll Cardiol, 2017 03;69:1210-1211; Schweizer PA et al. J Am Coll Cardiol, 2017 03;69:1209-1210). This amino acid position is not well conserved in available vertebrate species. In addition, the in silico prediction for this alteration is inconclusive. Since supporting evidence is limited at this time, the clinical significance of this alteration remains unclear.

Molecular Diagnostic Laboratory for Inherited Cardiovascular Disease, Montreal Heart Institute
Classification: Uncertain significance for Cardiovascular phenotype. Last evaluated: 2025-04-09. Review status: criteria provided, single submitter. Criteria: ACMG Guidelines, 2015. Collection method: clinical testing. Allele origin: germline. Affected: yes.

Labcorp Genetics (formerly Invitae), Labcorp
Classification: Uncertain significance for Long QT syndrome. Last evaluated: 2024-06-15. Review status: criteria provided, single submitter. Criteria: Invitae Variant Classification Sherloc (09022015). Collection method: clinical testing. Allele origin: germline.
Comment: This sequence change replaces valine, which is neutral and non-polar, with methionine, which is neutral and non-polar, at codon 194 of the KCNH2 protein (p.Val194Met). This variant is present in population databases (no rsID available, gnomAD 0.02%). This variant has not been reported in the literature in individuals affected with KCNH2-related conditions. ClinVar contains an entry for this variant (Variation ID: 640808). An algorithm developed to predict the effect of missense changes on protein structure and function (PolyPhen-2) suggests that this variant is likely to be tolerated. In summary, the available evidence is currently insufficient to determine the role of this variant in disease. Therefore, it has been classified as a Variant of Uncertain Significance.

GeneDx
Classification: Uncertain significance. Last evaluated: 2019-06-25. Review status: criteria provided, single submitter. Criteria: GeneDx Variant Classification Process June 2021. Collection method: clinical testing. Allele origin: germline. Affected: yes.
Comment: Reported in an individual with familial atrial fibrillation; however, this proband harbors an additional cardiogenetic variant (Schweizer et al., 2017); Not observed at a significant frequency in large population cohorts (Lek et al., 2016); In silico analysis, which includes protein predictors and evolutionary conservation, supports that this variant does not alter protein structure/function; This variant is associated with the following publications: (PMID: 28254188)

Literature cited by the submitters: PubMed 28254188 (cited by Ambry Genetics); PubMed 28254189 (cited by Ambry Genetics).

NM_000238.4(KCNH2):c.580G>A (p.Val194Met)

Gene: KCNH2 (potassium voltage-gated channel subfamily H member 2; minus strand). Cytogenetic location: 7q36.1.
Variant type: single nucleotide variant.
Coding change: c.580G>A on transcript NM_000238.4 (MANE Select); coding-DNA position 580, G replaced by A.
Protein change: p.Val194Met; replaces valine 194 with methionine.
Molecular consequence: missense variant.
Genome position (GRCh38, 1-based): chr7:150,958,395, C>T on the plus strand (G>A on the coding strand, the complement: KCNH2 is on the minus strand). VCF-style: chr7-150958395-C-T. GRCh37 (hg19) VCF-style: chr7-150655483-C-T.
Other names: c.292G>A, p.Val98Met (NM_001406753.1, NM_001406756.1); c.403G>A, p.Val135Met (NM_001406755.1); c.280G>A, p.Val94Met (NM_001406757.1); c.580G>A, p.Val194Met (NM_172056.3); c.580G>A (NM_000238.2); short protein forms V194M, V135M, V98M, V94M.
Identifiers: ClinVar variation 640808 (VCV000640808.12), dbSNP rs1293129095, ClinGen allele CA369863236.